The following is an entry in ClinVar:

ClinVar aggregate classification (germline): Likely pathogenic. Review status: criteria provided, multiple submitters, no conflicts (2 of 4 stars). 2 submissions from 2 submitters: Likely pathogenic (2). Last evaluated 2025-10-07.

Conditions:
Autosomal recessive nonsyndromic hearing loss 77. Identifiers: Orphanet 90636, MedGen C2746083, MONDO:0013119, OMIM 613079.

gnomAD v4.1: 1 of 1,551,466 alleles (0.000064%); highest among the groups gnomAD compares: African/African-American, 0.0014%; no homozygotes.

Submissions (2):

Myriad Genetics, Inc.
Classification: Likely pathogenic for Autosomal recessive nonsyndromic hearing loss 77. Last evaluated: 2025-10-07. Review status: criteria provided, single submitter. Criteria: Myriad Autosomal Dominant, Autosomal Recessive and X-Linked Classification Criteria (2023). Collection method: clinical testing. Allele origin: unknown.
Comment: NM_144612.6(LOXHD1):c.4877-2A>T is a variant in a canonical splice site classified as likely pathogenic in the context of nonsyndromic hearing loss, LOXHD1-related. c.4877-2A>T has not been observed in cases with relevant disease. Relevant functional assessments of this variant are not available in the literature. c.4877-2A>T has not been observed in referenced population frequency databases. In summary, NM_144612.6(LOXHD1):c.4877-2A>T is a variant in a canonical splice site in a gene where loss of function is a known mechanism of disease and is predicted to disrupt protein function. Please note: this variant was assessed in the context of healthy population screening.

Natera, Inc.
Classification: Likely pathogenic for Autosomal recessive deafness type 77. Last evaluated: 2025-09-09. Review status: criteria provided, single submitter. Criteria: Natera Variant Classification Schema (03/2026). Collection method: clinical testing. Allele origin: germline.
Comment: The c.4877-2A>T variant in LOXHD1 is a canonical splice acceptor site variant predicted to affect pre-mRNA splicing, which may result in an abnormal transcript and altered protein product. This variant is expected to result in nonsense mediated decay, truncation, or a dysfunctional protein product. This variant is rare in the general population with a frequency below the threshold expected for the associated phenotype(s). Given the available evidence, this variant is classified as Likely Pathogenic.

NM_001384474.1(LOXHD1):c.4877-2A>T

Gene: LOXHD1 (lipoxygenase homology PLAT domains 1; minus strand). Cytogenetic location: 18q21.1.
Variant type: single nucleotide variant.
Coding change: c.4877-2A>T on transcript NM_001384474.1 (MANE Select); the canonical splice acceptor site of the intron before coding-DNA position 4877, A replaced by T.
Molecular consequence: splice acceptor variant.
Genome position (GRCh38, 1-based): chr18:46,522,311, T>A on the plus strand (A>T on the coding strand, the complement: LOXHD1 is on the minus strand). VCF-style: chr18-46522311-T-A. GRCh37 (hg19) VCF-style: chr18-44102274-T-A.
Other names: c.1544-2A>T (NM_001145472.3); c.1256-2A>T (NM_001308013.2); c.4877-2A>T (NM_144612.7).
Identifiers: ClinVar variation 4816834 (VCV004816834.2).